The following is an entry in ClinVar:

ClinVar aggregate classification (germline): Uncertain significance (1 of 4 stars; one submission).

Submission:

CeGaT Center for Human Genetics Tuebingen
Classification: Uncertain significance. Last evaluated: 2023-12-01. Review status: criteria provided, single submitter. Criteria: CeGaT Center For Human Genetics Tuebingen Variant Classification Criteria Version 2. Collection method: clinical testing. Allele origin: germline. Affected: yes. Observed: 1 variant allele.
Comment: CIC: PM2

NM_001386298.1(CIC):c.543G>T (p.Glu181Asp)

Gene: CIC (capicua transcriptional repressor; plus strand). Cytogenetic location: 19q13.2.
Variant type: single nucleotide variant.
Coding change: c.543G>T on transcript NM_001386298.1 (MANE Select); coding-DNA position 543, G replaced by T.
Protein change: p.Glu181Asp; replaces glutamic acid 181 with aspartic acid.
Molecular consequence: missense variant.
Genome position (GRCh38, 1-based): chr19:42,272,326, G>T. VCF-style: chr19-42272326-G-T. GRCh37 (hg19) VCF-style: chr19-42776478-G-T.
Other names: c.543G>T, p.Glu181Asp (NM_001304815.2, NM_001379480.1, NM_001379482.1 and 1 more transcripts); short protein forms E181D.
Identifiers: ClinVar variation 3026241 (VCV003026241.22), dbSNP rs2513595051, ClinGen allele CA406082394.